The following is an entry in ClinVar:

ClinVar aggregate classification (germline): Uncertain significance (1 of 4 stars; one submission).

Conditions:
Charcot-Marie-Tooth disease axonal type 2O. Also called: Charcot-Marie-Tooth disease, axonal, type 20; CHARCOT-MARIE-TOOTH NEUROPATHY, AXONAL, TYPE 2O; CHARCOT-MARIE-TOOTH DISEASE, AXONAL, AUTOSOMAL DOMINANT, TYPE 2O; Charcot-Marie-Tooth Neuropathy Type 2O. Identifiers: Orphanet 284232, MedGen C3280220, MONDO:0013644, OMIM 614228.

Allele frequency attached by ClinVar (database versions not stated): TOPMed below 0.00001.
gnomAD v4.1: 4 of 1,613,896 alleles (0.00025%); highest among the groups gnomAD compares: Non-Finnish European, 0.00034%; no homozygotes.

Submission:

Labcorp Genetics (formerly Invitae), Labcorp
Classification: Uncertain significance for Charcot-Marie-Tooth disease axonal type 2O. Last evaluated: 2024-06-28. Review status: criteria provided, single submitter. Criteria: Invitae Variant Classification Sherloc (09022015). Collection method: clinical testing. Allele origin: germline.
Comment: This sequence change replaces valine, which is neutral and non-polar, with methionine, which is neutral and non-polar, at codon 4509 of the DYNC1H1 protein (p.Val4509Met). This variant is not present in population databases (gnomAD no frequency). This variant has not been reported in the literature in individuals affected with DYNC1H1-related conditions. ClinVar contains an entry for this variant (Variation ID: 2062465). Advanced modeling of protein sequence and biophysical properties (such as structural, functional, and spatial information, amino acid conservation, physicochemical variation, residue mobility, and thermodynamic stability) performed at Invitae indicates that this missense variant is not expected to disrupt DYNC1H1 protein function with a negative predictive value of 95%. In summary, the available evidence is currently insufficient to determine the role of this variant in disease. Therefore, it has been classified as a Variant of Uncertain Significance.

NM_001376.5(DYNC1H1):c.13525G>A (p.Val4509Met)

Gene: DYNC1H1 (dynein cytoplasmic 1 heavy chain 1; plus strand). Cytogenetic location: 14q32.31.
Variant type: single nucleotide variant.
Coding change: c.13525G>A on transcript NM_001376.5 (MANE Select); coding-DNA position 13525, G replaced by A.
Protein change: p.Val4509Met; replaces valine 4509 with methionine.
Molecular consequence: missense variant.
Genome position (GRCh38, 1-based): chr14:102,049,723, G>A. VCF-style: chr14-102049723-G-A. GRCh37 (hg19) VCF-style: chr14-102516060-G-A.
Other names: short protein forms V4509M.
Identifiers: ClinVar variation 2062465 (VCV002062465.4), dbSNP rs2048778554, ClinGen allele CA391049952.
Genomic context (GRCh38, chr14:102,049,723, plus strand): 5'-GGCCCAGGTCTGACCTGAGCTCCTTCCCCTGGGGGCTGCTGCTTTCCACAGAACATCCAC[G>A]TGTGCCTGGGTGGCCTGTTCGTGCCTGAGGCGTACATCACTGCCACCAGGCAGTATGTGG-3'
Protein context (NP_001367.2, residues 4499-4519): GGAKELKNIH[Val4509Met]CLGGLFVPEA